The following is an entry in ClinVar:

ClinVar aggregate classification (germline): Likely benign. Review status: criteria provided, multiple submitters, no conflicts (2 of 4 stars). 2 submissions from 2 submitters: Likely benign (2). Last evaluated 2025-11-01.

Allele frequency attached by ClinVar (database versions not stated): gnomAD exomes below 0.00001; TOPMed below 0.00001; ExAC 0.00001; gnomAD 0.00001; ESP Exome Variant Server 0.00008.
gnomAD v4.1: 5 of 1,613,986 alleles (0.00031%); highest among the groups gnomAD compares: Non-Finnish European, 0.00042%; no homozygotes.

Submissions (2):

CeGaT Center for Human Genetics Tuebingen
Classification: Likely benign. Last evaluated: 2025-11-01. Review status: criteria provided, single submitter. Criteria: CeGaT Center For Human Genetics Tuebingen Variant Classification Criteria Version 2. Collection method: clinical testing. Allele origin: germline. Affected: yes. Observed: 1 variant allele.
Comment: KMT2A: BP4, BP7

Labcorp Genetics (formerly Invitae), Labcorp
Classification: Likely benign. Last evaluated: 2025-11-01. Review status: criteria provided, single submitter. Criteria: Invitae Variant Classification Sherloc (09022015). Collection method: clinical testing. Allele origin: germline.

NM_001197104.2(KMT2A):c.4152C>T (p.Ser1384=)

Gene: KMT2A (lysine methyltransferase 2A; plus strand). Cytogenetic location: 11q23.3.
Variant type: single nucleotide variant.
Coding change: c.4152C>T on transcript NM_001197104.2 (MANE Select); coding-DNA position 4152, C replaced by T.
Protein change: p.Ser1384=; no amino-acid change (serine 1384 retained).
Molecular consequence: synonymous variant.
Genome position (GRCh38, 1-based): chr11:118,484,248, C>T. VCF-style: chr11-118484248-C-T. GRCh37 (hg19) VCF-style: chr11-118354963-C-T.
Other names: c.4251C>T, p.Ser1417= (NM_001412597.1); c.4152C>T, p.Ser1384= (NM_005933.4).
Identifiers: ClinVar variation 2975788 (VCV002975788.9), dbSNP rs376817515, ClinGen allele CA6303797.